The following is an entry in ClinVar:

NM_001080770.2(KIR2DL4):c.327G>A (p.Ser109=)

Gene: KIR2DL4 (killer cell immunoglobulin like receptor, two Ig domains and long cytoplasmic tail 4). Cytogenetic location: 19q13.42.
Variant type: single nucleotide variant.
Coding change: c.327G>A on transcript NM_001080770.2 (MANE Select); coding-DNA position 327, G replaced by A.
Protein change: p.Ser109=; no amino-acid change (serine 109 retained).
Molecular consequence: synonymous variant.
Genome position (GRCh38, 1-based): chr19:54,805,043, G>A. VCF-style: chr19-54805043-G-A. GRCh37 (hg19) VCF-style: chr19-55316498-G-A.
Other names: c.327G>A, p.Ser109= (NM_001080772.2).
Identifiers: ClinVar variation 2650472 (VCV002650472.24), dbSNP rs796707269, ClinGen allele CA309906862.

ClinVar aggregate classification (germline): Likely benign (1 of 4 stars; one submission).

Allele frequency attached by ClinVar (database versions not stated): gnomAD exomes below 0.00001.
gnomAD v4.1: 4 of 1,609,444 alleles (0.00025%); highest among the groups gnomAD compares: South Asian, 0.0011%; no homozygotes.

Submission:

CeGaT Center for Human Genetics Tuebingen
Classification: Likely benign. Last evaluated: 2023-08-01. Review status: criteria provided, single submitter. Criteria: CeGaT Center For Human Genetics Tuebingen Variant Classification Criteria Version 2. Collection method: clinical testing. Allele origin: germline. Affected: yes. Observed: 1 variant allele.
Comment: KIR2DL4: PM2:Supporting, BP4, BP7